The following is an entry in ClinVar:

NM_004183.4(BEST1):c.1147G>C (p.Glu383Gln)

Gene: BEST1 (bestrophin 1; plus strand). Cytogenetic location: 11q12.3.
Variant type: single nucleotide variant.
Coding change: c.1147G>C on transcript NM_004183.4 (MANE Select); coding-DNA position 1147, G replaced by C.
Protein change: p.Glu383Gln; replaces glutamic acid 383 with glutamine.
Molecular consequence: missense variant. On other transcripts: non-coding transcript variant (1).
Genome position (GRCh38, 1-based): chr11:61,962,301, G>C. VCF-style: chr11-61962301-G-C. GRCh37 (hg19) VCF-style: chr11-61729773-G-C.
Other names: c.967G>C, p.Glu323Gln (NM_001139443.3, NM_001300787.2); c.886G>C, p.Glu296Gln (NM_001300786.2); c.829G>C, p.Glu277Gln (NM_001363591.3); c.*42G>C (NM_001363592.2); c.175G>C, p.Glu59Gln (NM_001363593.3); short protein forms E296Q, E383Q, E277Q, E323Q, E59Q.
Identifiers: ClinVar variation 862234 (VCV000862234.13), dbSNP rs1479677299, ClinGen allele CA380847303.

ClinVar aggregate classification (germline): Uncertain significance. Review status: criteria provided, multiple submitters, no conflicts (2 of 4 stars). 3 submissions from 3 submitters: Uncertain significance (3). Last evaluated 2026-08-12.

Conditions:
BEST1-related disorder. Also called: BEST1-related condition; BEST1-related disorders. Identifiers: MedGen CN239200.

Allele frequency attached by ClinVar (database versions not stated): gnomAD exomes below 0.00001; TOPMed 0.00001.

Submissions (3):

PreventionGenetics, part of Exact Sciences
Classification: Uncertain significance for BEST1-related condition. Last evaluated: 2026-08-12. Review status: criteria provided, single submitter. Criteria: ACMG Guidelines, 2015. Collection method: clinical testing. Allele origin: germline.
Comment: The BEST1 c.1147G>C variant is predicted to result in the amino acid substitution p.Glu383Gln. To our knowledge, this variant has not been reported in the literature. This variant is reported in 0.0065% of alleles in individuals of European (Non-Finnish) descent in gnomAD. At this time, the clinical significance of this variant is uncertain due to the absence of conclusive functional and genetic evidence.

Labcorp Genetics (formerly Invitae), Labcorp
Classification: Uncertain significance. Last evaluated: 2025-06-14. Review status: criteria provided, single submitter. Criteria: Invitae Variant Classification Sherloc (09022015). Collection method: clinical testing. Allele origin: germline.
Comment: This sequence change replaces glutamic acid, which is acidic and polar, with glutamine, which is neutral and polar, at codon 383 of the BEST1 protein (p.Glu383Gln). This variant is present in population databases (no rsID available, gnomAD 0.007%). This variant has not been reported in the literature in individuals affected with BEST1-related conditions. ClinVar contains an entry for this variant (Variation ID: 862234). Invitae Evidence Modeling of protein sequence and biophysical properties (such as structural, functional, and spatial information, amino acid conservation, physicochemical variation, residue mobility, and thermodynamic stability) indicates that this missense variant is expected to disrupt BEST1 protein function with a positive predictive value of 80%. In summary, the available evidence is currently insufficient to determine the role of this variant in disease. Therefore, it has been classified as a Variant of Uncertain Significance.

Blueprint Genetics
Classification: Uncertain significance. Last evaluated: 2024-05-29. Review status: criteria provided, single submitter. Criteria: ACMG Guidelines, 2015. Collection method: clinical testing. Allele origin: germline.